The following is an entry in ClinVar:

NM_006922.4(SCN3A):c.1945G>A (p.Asp649Asn)

Gene: SCN3A (sodium voltage-gated channel alpha subunit 3; minus strand). Cytogenetic location: 2q24.3.
Variant type: single nucleotide variant.
Coding change: c.1945G>A on transcript NM_006922.4 (MANE Select); coding-DNA position 1945, G replaced by A.
Protein change: p.Asp649Asn; replaces aspartic acid 649 with asparagine.
Molecular consequence: missense variant. On other transcripts: intron variant (2).
Genome position (GRCh38, 1-based): chr2:165,140,725, C>T on the plus strand (G>A on the coding strand, the complement: SCN3A is on the minus strand). VCF-style: chr2-165140725-C-T. GRCh37 (hg19) VCF-style: chr2-165997235-C-T.
Other names: c.1872+73G>A (NM_001081676.2, NM_001081677.2); short protein forms D649N.
Identifiers: ClinVar variation 955184 (VCV000955184.10), dbSNP rs201115248, ClinGen allele CA59742072.

ClinVar aggregate classification (germline): Uncertain significance. Review status: criteria provided, multiple submitters, no conflicts (2 of 4 stars). 2 submissions from 2 submitters: Uncertain significance (2). Last evaluated 2025-05-29.

Conditions:
Inborn genetic diseases. Identifiers: MedGen C0950123, MeSH D030342.

Allele frequency attached by ClinVar (database versions not stated): gnomAD 0.00001.
gnomAD v4.1: 2 of 1,613,920 alleles (0.00012%); highest among the groups gnomAD compares: African/African-American, 0.0013%; no homozygotes.

Submissions (2):

Ambry Genetics
Classification: Uncertain significance for Inborn genetic diseases. Last evaluated: 2025-05-29. Review status: criteria provided, single submitter. Criteria: Ambry Variant Classification Scheme 2023. Collection method: clinical testing. Allele origin: germline.

Labcorp Genetics (formerly Invitae), Labcorp
Classification: Uncertain significance. Last evaluated: 2023-08-18. Review status: criteria provided, single submitter. Criteria: Invitae Variant Classification Sherloc (09022015). Collection method: clinical testing. Allele origin: germline.
Comment: This variant has not been reported in the literature in individuals affected with SCN3A-related conditions. ClinVar contains an entry for this variant (Variation ID: 955184). Advanced modeling of protein sequence and biophysical properties (such as structural, functional, and spatial information, amino acid conservation, physicochemical variation, residue mobility, and thermodynamic stability) performed at Invitae indicates that this missense variant is not expected to disrupt SCN3A protein function. In summary, the available evidence is currently insufficient to determine the role of this variant in disease. Therefore, it has been classified as a Variant of Uncertain Significance. This sequence change replaces aspartic acid, which is acidic and polar, with asparagine, which is neutral and polar, at codon 649 of the SCN3A protein (p.Asp649Asn). This variant is not present in population databases (gnomAD no frequency).